The following is an entry in ClinVar:

NM_000179.3(MSH6):c.3946_3958del (p.Gly1316fs)

Gene: MSH6 (mutS homolog 6; plus strand). Cytogenetic location: 2p16.3.
Variant type: Deletion.
Coding change: c.3946_3958del on transcript NM_000179.3 (MANE Select); coding-DNA positions 3946 to 3958, 13 bases deleted (GGACATAGAAAAG).
Protein change: p.Gly1316fs; shifts the reading frame from glycine 1316.
Molecular consequence: frameshift variant.
Genome position (GRCh38, 1-based): chr2:47,806,596-47,806,608, GGACATAGAAAAG deleted; deleting any 13 consecutive bases within chr2:47,806,591-47,806,608 gives the same sequence; the c. name uses the placement nearest the transcript's 3' end. VCF-style (leftmost placement, unchanged base first): chr2-47806590-CAAAAGGGACATAG-C. GRCh37 (hg19) VCF-style: chr2-48033729-CAAAAGGGACATAG-C.
Other names: c.3556_3568del, p.Gly1186fs (NM_001281492.2); c.3040_3052del, p.Gly1014fs (NM_001281493.2, NM_001281494.2); c.3946_3958delGGACATAGAAAAG (NM_000179.2); short protein forms G1014fs, G1316fs, G1186fs.
Identifiers: ClinVar variation 525672 (VCV000525672.12), dbSNP rs1553333674, ClinGen allele CA658795759.

ClinVar aggregate classification (germline): Pathogenic. Review status: criteria provided, multiple submitters, no conflicts (2 of 4 stars). 3 submissions from 3 submitters: Pathogenic (3). Last evaluated 2023-08-28.

Conditions:
Hereditary nonpolyposis colorectal neoplasms. Identifiers: MedGen C0009405, MeSH D003123.
Hereditary cancer-predisposing syndrome. Also called: Neoplastic Syndromes, Hereditary; Tumor predisposition; Hereditary Cancer Syndrome; Hereditary neoplastic syndrome. Identifiers: Orphanet 140162, MedGen C0027672, MeSH D009386, MONDO:0015356.
Lynch syndrome 5 (LYNCH5). Also called: Colorectal cancer, hereditary nonpolyposis, type 5; Hereditary non-polyposis colorectal cancer, type 5. Identifiers: Orphanet 144, MedGen C1833477, MONDO:0013710, OMIM 614350. Disease mechanism: loss of function.

Submissions (3):

Myriad Genetics, Inc.
Classification: Pathogenic for Lynch syndrome 5. Last evaluated: 2023-08-28. Review status: criteria provided, single submitter. Criteria: Myriad Autosomal Dominant, Autosomal Recessive and X-Linked Classification Criteria (2023). Collection method: clinical testing. Allele origin: unknown.
Comment: This variant is considered pathogenic. This variant creates a frameshift predicted to result in premature protein truncation.

Labcorp Genetics (formerly Invitae), Labcorp
Classification: Pathogenic for Hereditary nonpolyposis colorectal neoplasms. Last evaluated: 2023-03-19. Review status: criteria provided, single submitter. Criteria: Invitae Variant Classification Sherloc (09022015). Collection method: clinical testing. Allele origin: germline.
Comment: This sequence change creates a premature translational stop signal (p.Gly1316Glnfs*7) in the MSH6 gene. While this is not anticipated to result in nonsense mediated decay, it is expected to disrupt the last 45 amino acid(s) of the MSH6 protein. This variant is not present in population databases (gnomAD no frequency). This premature translational stop signal has been observed in individual(s) with colorectal cancer and/or Lynch syndrome (PMID: 20028993). ClinVar contains an entry for this variant (Variation ID: 525672). This variant disrupts a region of the MSH6 protein in which other variant(s) (p.Ala1320Glufs*6) have been determined to be pathogenic (PMID: 21155762). This suggests that this is a clinically significant region of the protein, and that variants that disrupt it are likely to be disease-causing. For these reasons, this variant has been classified as Pathogenic.

Ambry Genetics
Classification: Pathogenic for Hereditary cancer-predisposing syndrome. Last evaluated: 2022-03-31. Review status: criteria provided, single submitter. Criteria: Ambry Variant Classification Scheme 2023. Collection method: clinical testing. Allele origin: germline.
Comment: The c.3946_3958del13 pathogenic mutation, located in coding exon 9 of the MSH6 gene, results from a deletion of 13 nucleotides at nucleotide positions 3946 to 3958, causing a translational frameshift with a predicted alternate stop codon (p.G1316Qfs*7). This alteration is expected to result in loss of function by premature protein truncation. As such, this alteration is interpreted as a disease-causing mutation.

Literature cited by the submitters: PubMed 20028993 (cited by Labcorp Genetics (formerly Invitae), Labcorp); PubMed 21155762 (cited by Labcorp Genetics (formerly Invitae), Labcorp).